The following is an entry in ClinVar:

NM_002087.4(GRN):c.154del (p.Thr52fs)

Gene: GRN (granulin precursor; plus strand). Cytogenetic location: 17q21.31.
Variant type: Deletion.
Coding change: c.154del on transcript NM_002087.4 (MANE Select); coding-DNA position 154, one base deleted (A; older notation c.154delA).
Protein change: p.Thr52fs; shifts the reading frame from threonine 52.
Molecular consequence: frameshift variant.
Genome position (GRCh38, 1-based): chr17:44,349,441, A deleted; the last of 2 consecutive A bases (chr17:44,349,440-44,349,441); deleting either gives the same sequence. VCF-style (leftmost placement, unchanged base first): chr17-44349439-CA-C. GRCh37 (hg19) VCF-style: chr17-42426807-CA-C.
Other names: c.154delA (NM_002087.4); short protein forms T52fs.
Identifiers: ClinVar variation 98127 (VCV000098127.8), dbSNP rs63751092, ClinGen allele CA225214.

ClinVar aggregate classification (germline): Pathogenic. Review status: criteria provided, multiple submitters, no conflicts (2 of 4 stars). 4 submissions from 4 submitters: Pathogenic (2). 2 of the submissions do not count toward it. Last evaluated 2024-12-10.

Conditions:
GRN-related frontotemporal lobar degeneration with Tdp43 inclusions (FTD2). Also called: DEMENTIA, HEREDITARY DYSPHASIC DISINHIBITION; FRONTOTEMPORAL LOBAR DEGENERATION WITH UBIQUITIN-POSITIVE INCLUSIONS; FTLD-TDP, GRN-RELATED; FRONTOTEMPORAL DEMENTIA WITH TDP43 INCLUSIONS, GRN-RELATED; GRN Frontotemporal Dementia. Identifiers: Orphanet 100070, Orphanet 282, MedGen C1843792, MONDO:0011842, OMIM 607485. Disease mechanism: loss of function.

Submissions (4):

Department of Clinical Genetics, Copenhagen University Hospital, Rigshospitalet
Classification: Pathogenic for GRN-related frontotemporal lobar degeneration with Tdp43 inclusions. Last evaluated: 2024-12-10. Review status: criteria provided, single submitter. Criteria: ACMG Guidelines, 2015. Collection method: clinical testing. Allele origin: germline.
Comment: PVS1_VStr, PS4_M

GeneDx
Classification: Pathogenic. Last evaluated: 2022-09-26. Review status: criteria provided, single submitter. Criteria: GeneDx Variant Classification Process June 2021. Collection method: clinical testing. Allele origin: germline. Affected: yes.
Comment: Frameshift variant predicted to result in protein truncation or nonsense mediated decay in a gene for which loss-of-function is a known mechanism of disease; Not observed at significant frequency in large population cohorts (gnomAD); This variant is associated with the following publications: (PMID: 19649643, 28473694, 20142525, 16950801, 18543312, 19659892, 30009200)

OMIM
Classification: Pathogenic for FRONTOTEMPORAL DEMENTIA 2. Last evaluated: 2010-02-01. Review status: no assertion criteria provided. Collection method: literature only. Allele origin: germline. Not counted in ClinVar's aggregate classification.

VIB  Department of Molecular Genetics, University of Antwerp
No classification provided. Review status: no classification provided. Collection method: not provided. Allele origin: not provided. Not counted in ClinVar's aggregate classification.

Literature cited by the submitters: PubMed 16950801 (cited by Department of Clinical Genetics, Copenhagen University Hospital, Rigshospitalet); PubMed 20142525 (cited by Department of Clinical Genetics, Copenhagen University Hospital, Rigshospitalet and OMIM).